The following is an entry in ClinVar:

ClinVar aggregate classification (germline): Likely pathogenic (1 of 4 stars; one submission).

Conditions:
Multiple mitochondrial dysfunctions syndrome 4 (MMDS4). Also called: ISCA2-Related Mitochondrial Disorder. Identifiers: Orphanet 457406, MedGen C4225348, MONDO:0014611, OMIM 616370.

Submission:

3billion
Classification: Likely pathogenic for Multiple mitochondrial dysfunctions syndrome 4. Last evaluated: 2026-01-16. Review status: criteria provided, single submitter. Criteria: ACMG Guidelines, 2015. Collection method: clinical testing. Allele origin: germline. Affected: yes.
Comment: The variant is not observed in the gnomAD v4.1.0 dataset. Predicted Consequence/Location: Frameshift: predicted to result in a loss or disruption of normal protein function through nonsense-mediated decay (NMD) or protein truncation. Multiple pathogenic variants are reported downstream of the variant. Therefore, this variant is classified as Likely pathogenic according to the recommendation of ACMG/AMP guideline.

NM_194279.4(ISCA2):c.97del (p.Gln33fs)

Gene: ISCA2 (iron-sulfur cluster assembly 2; plus strand). Cytogenetic location: 14q24.3.
Variant type: Deletion.
Coding change: c.97del on transcript NM_194279.4 (MANE Select); coding-DNA position 97, one base deleted (C; older notation c.97delC).
Protein change: p.Gln33fs; shifts the reading frame from glutamine 33.
Molecular consequence: frameshift variant.
Genome position (GRCh38, 1-based): chr14:74,494,075, C deleted; the last of 4 consecutive C bases (chr14:74,494,072-74,494,075); deleting any one gives the same sequence. VCF-style (leftmost placement, unchanged base first): chr14-74494071-AC-A. GRCh37 (hg19) VCF-style: chr14-74960774-AC-A.
Other names: c.97del, p.Gln33fs (NM_001272007.2); short protein forms Q33fs.
Identifiers: ClinVar variation 4854313 (VCV004854313.1).